The following is an entry in ClinVar:

NM_001372.4(DNAH9):c.10187A>C (p.Lys3396Thr)

Gene: DNAH9 (dynein axonemal heavy chain 9; plus strand). Cytogenetic location: 17p12.
Variant type: single nucleotide variant.
Coding change: c.10187A>C on transcript NM_001372.4 (MANE Select); coding-DNA position 10187, A replaced by C.
Protein change: p.Lys3396Thr; replaces lysine 3396 with threonine.
Molecular consequence: missense variant.
Genome position (GRCh38, 1-based): chr17:11,871,731, A>C. VCF-style: chr17-11871731-A-C. GRCh37 (hg19) VCF-style: chr17-11775048-A-C.
Other names: short protein forms K3396T.
Identifiers: ClinVar variation 2067812 (VCV002067812.6), dbSNP rs146918724, ClinGen allele CA8397429.

ClinVar aggregate classification (germline): Uncertain significance. Review status: criteria provided, multiple submitters, no conflicts (2 of 4 stars). 3 submissions from 3 submitters: Uncertain significance (3). Last evaluated 2025-12-22.

Conditions:
Inborn genetic diseases. Identifiers: MedGen C0950123, MeSH D030342.

Allele frequency attached by ClinVar (database versions not stated): ExAC 0.00006; ESP Exome Variant Server 0.00015; TOPMed 0.00019; gnomAD 0.00021.

Submissions (3):

Labcorp Genetics (formerly Invitae), Labcorp
Classification: Uncertain significance. Last evaluated: 2025-12-22. Review status: criteria provided, single submitter. Criteria: Invitae Variant Classification Sherloc (09022015). Collection method: clinical testing. Allele origin: germline.
Comment: This sequence change replaces lysine, which is basic and polar, with threonine, which is neutral and polar, at codon 3396 of the DNAH9 protein (p.Lys3396Thr). This variant is present in population databases (rs146918724, gnomAD 0.05%). This variant has not been reported in the literature in individuals affected with DNAH9-related conditions. ClinVar contains an entry for this variant (Variation ID: 2067812). Invitae Evidence Modeling of protein sequence and biophysical properties (such as structural, functional, and spatial information, amino acid conservation, physicochemical variation, residue mobility, and thermodynamic stability) indicates that this missense variant is not expected to disrupt DNAH9 protein function with a negative predictive value of 80%. In summary, the available evidence is currently insufficient to determine the role of this variant in disease. Therefore, it has been classified as a Variant of Uncertain Significance.

Ambry Genetics
Classification: Uncertain significance for Inborn genetic diseases. Last evaluated: 2024-09-25. Review status: criteria provided, single submitter. Criteria: Ambry Variant Classification Scheme 2023. Collection method: clinical testing. Allele origin: germline.

Blueprint Genetics
Classification: Uncertain significance. Last evaluated: 2023-08-23. Review status: criteria provided, single submitter. Criteria: ACMG Guidelines, 2015. Collection method: clinical testing. Allele origin: germline.